The following is an entry in ClinVar:

NM_001005498.4(RHBDF2):c.1027G>A (p.Gly343Ser)

Gene: RHBDF2 (rhomboid 5 homolog 2; minus strand). Cytogenetic location: 17q25.1.
Variant type: single nucleotide variant.
Coding change: c.1027G>A on transcript NM_001005498.4 (MANE Select); coding-DNA position 1027, G replaced by A.
Protein change: p.Gly343Ser; replaces glycine 343 with serine.
Molecular consequence: missense variant. On other transcripts: non-coding transcript variant (3).
Genome position (GRCh38, 1-based): chr17:76,476,918, C>T on the plus strand (G>A on the coding strand, the complement: RHBDF2 is on the minus strand). VCF-style: chr17-76476918-C-T. GRCh37 (hg19) VCF-style: chr17-74473000-C-T.
Other names: c.1027G>A, p.Gly343Ser (NM_001376228.1, NM_001376229.1, NM_001376230.1); c.1114G>A, p.Gly372Ser (NM_024599.5); short protein forms G343S, G372S.
Identifiers: ClinVar variation 4803186 (VCV004803186.1).

ClinVar aggregate classification (germline): Uncertain significance (1 of 4 stars; one submission).

gnomAD v4.1: 8 of 1,613,772 alleles (0.0005%); highest among the groups gnomAD compares: Non-Finnish European, 0.00068%; no homozygotes.

Submission:

Labcorp Genetics (formerly Invitae), Labcorp
Classification: Uncertain significance. Last evaluated: 2025-09-10. Review status: criteria provided, single submitter. Criteria: Invitae Variant Classification Sherloc (09022015). Collection method: clinical testing. Allele origin: germline.
Comment: This sequence change replaces glycine, which is neutral and non-polar, with serine, which is neutral and polar, at codon 372 of the RHBDF2 protein (p.Gly372Ser). This variant is present in population databases (rs780512787, gnomAD 0.002%). This variant has not been reported in the literature in individuals affected with RHBDF2-related conditions. An algorithm developed to predict the effect of missense changes on protein structure and function (PolyPhen-2) suggests that this variant is likely to be disruptive. In summary, the available evidence is currently insufficient to determine the role of this variant in disease. Therefore, it has been classified as a Variant of Uncertain Significance.